The following is an entry in ClinVar:

NM_000440.3(PDE6A):c.1377G>C (p.Lys459Asn)

Gene: PDE6A (phosphodiesterase 6A; minus strand). Cytogenetic location: 5q32.
Variant type: single nucleotide variant.
Coding change: c.1377G>C on transcript NM_000440.3 (MANE Select); coding-DNA position 1377, G replaced by C.
Protein change: p.Lys459Asn; replaces lysine 459 with asparagine.
Molecular consequence: missense variant.
Genome position (GRCh38, 1-based): chr5:149,898,393, C>G on the plus strand (G>C on the coding strand, the complement: PDE6A is on the minus strand). VCF-style: chr5-149898393-C-G. GRCh37 (hg19) VCF-style: chr5-149277956-C-G.
Other names: short protein forms K459N.
Identifiers: ClinVar variation 1357212 (VCV001357212.5), dbSNP rs965379528, ClinGen allele CA129072144.

ClinVar aggregate classification (germline): Uncertain significance (1 of 4 stars; one submission).

Allele frequency attached by ClinVar (database versions not stated): gnomAD 0.00001; gnomAD exomes 0.00001; TOPMed 0.00001.
gnomAD v4.1: 9 of 1,613,436 alleles (0.00056%); highest among the groups gnomAD compares: Non-Finnish European, 0.00076%; no homozygotes.

Submission:

Labcorp Genetics (formerly Invitae), Labcorp
Classification: Uncertain significance. Last evaluated: 2021-09-01. Review status: criteria provided, single submitter. Criteria: Invitae Variant Classification Sherloc (09022015). Collection method: clinical testing. Allele origin: germline.
Comment: This sequence change replaces lysine with asparagine at codon 459 of the PDE6A protein (p.Lys459Asn). The lysine residue is highly conserved and there is a moderate physicochemical difference between lysine and asparagine. This variant is not present in population databases (ExAC no frequency). This variant has not been reported in the literature in individuals affected with PDE6A-related conditions. Algorithms developed to predict the effect of missense changes on protein structure and function are either unavailable or do not agree on the potential impact of this missense change (SIFT: "Deleterious"; PolyPhen-2: "Probably Damaging"; Align-GVGD: "Class C0"). In summary, the available evidence is currently insufficient to determine the role of this variant in disease. Therefore, it has been classified as a Variant of Uncertain Significance.